The following is an entry in ClinVar:

NM_002137.4(HNRNPA2B1):c.432C>T (p.Gly144=)

Gene: HNRNPA2B1 (heterogeneous nuclear ribonucleoprotein A2/B1; minus strand). Cytogenetic location: 7p15.2.
Variant type: single nucleotide variant.
Coding change: c.432C>T on transcript NM_002137.4 (MANE Select); coding-DNA position 432, C replaced by T.
Protein change: p.Gly144=; no amino-acid change (glycine 144 retained).
Molecular consequence: synonymous variant.
Genome position (GRCh38, 1-based): chr7:26,196,850, G>A on the plus strand (C>T on the coding strand, the complement: HNRNPA2B1 is on the minus strand). VCF-style: chr7-26196850-G-A. GRCh37 (hg19) VCF-style: chr7-26236470-G-A.
Other names: c.468C>T, p.Gly156= (NM_031243.4).
Identifiers: ClinVar variation 3346620 (VCV003346620.1).

ClinVar aggregate classification (germline): Likely benign (0 of 4 stars; one submission).

Conditions:
HNRNPA2B1-related disorder. Also called: HNRNPA2B1-related condition.

gnomAD v4.1: 10 of 1,613,874 alleles (0.00062%); highest among the groups gnomAD compares: East Asian, 0.0022%; no homozygotes.

Submission:

PreventionGenetics, part of Exact Sciences
Classification: Likely benign for HNRNPA2B1-related condition. Last evaluated: 2024-08-01. Review status: no assertion criteria provided. Collection method: clinical testing. Allele origin: germline.
Comment: This variant is classified as likely benign based on ACMG/AMP sequence variant interpretation guidelines (Richards et al. 2015 PMID: 25741868, with internal and published modifications).